The following is an entry in ClinVar:

NM_033380.3(COL4A5):c.1640C>A (p.Pro547His)

Gene: COL4A5 (collagen type IV alpha 5 chain; plus strand). Cytogenetic location: Xq22.3.
Variant type: single nucleotide variant.
Coding change: c.1640C>A on transcript NM_033380.3 (MANE Select); coding-DNA position 1640, C replaced by A.
Protein change: p.Pro547His; replaces proline 547 with histidine.
Molecular consequence: missense variant.
Genome position (GRCh38, 1-based): chrX:108,597,429, C>A. VCF-style: chrX-108597429-C-A. GRCh37 (hg19) VCF-style: chrX-107840659-C-A.
Other names: c.1640C>A, p.Pro547His (NM_000495.5); short protein forms P547H.
Identifiers: ClinVar variation 4795502 (VCV004795502.1).

ClinVar aggregate classification (germline): Uncertain significance (1 of 4 stars; one submission).

Submission:

GeneDx
Classification: Uncertain significance. Last evaluated: 2025-08-15. Review status: criteria provided, single submitter. Criteria: GeneDx Variant Classification Process June 2021. Collection method: clinical testing. Allele origin: germline. Affected: yes.
Comment: Not observed at significant frequency in large population cohorts (gnomAD); In silico analysis supports that this missense variant has a deleterious effect on protein structure/function; Has not been previously published as pathogenic or benign to our knowledge; Occurs in the triple helical domain at the Y position in the canonical Gly-X-Y repeat; although this variant may have an effect on normal protein folding and function, missense substitution at the Y position is not a common mechanism of disease